The following is an entry in ClinVar:

NM_014264.5(PLK4):c.1471A>G (p.Lys491Glu)

Gene: PLK4 (polo like kinase 4; plus strand). Cytogenetic location: 4q28.1.
Variant type: single nucleotide variant.
Coding change: c.1471A>G on transcript NM_014264.5 (MANE Select); coding-DNA position 1471, A replaced by G.
Protein change: p.Lys491Glu; replaces lysine 491 with glutamic acid.
Molecular consequence: missense variant.
Genome position (GRCh38, 1-based): chr4:127,889,877, A>G. VCF-style: chr4-127889877-A-G. GRCh37 (hg19) VCF-style: chr4-128811032-A-G.
Other names: c.1375A>G, p.Lys459Glu (NM_001190799.2); c.1348A>G, p.Lys450Glu (NM_001190801.2); short protein forms K450E, K491E, K459E.
Identifiers: ClinVar variation 1484304 (VCV001484304.8), dbSNP rs2148820474, ClinGen allele CA358155416.

ClinVar aggregate classification (germline): Uncertain significance (1 of 4 stars; one submission).

Submission:

Labcorp Genetics (formerly Invitae), Labcorp
Classification: Uncertain significance. Last evaluated: 2020-11-20. Review status: criteria provided, single submitter. Criteria: Invitae Variant Classification Sherloc (09022015). Collection method: clinical testing. Allele origin: germline.
Comment: In summary, the available evidence is currently insufficient to determine the role of this variant in disease. Therefore, it has been classified as a Variant of Uncertain Significance. Algorithms developed to predict the effect of missense changes on protein structure and function output the following: SIFT: "Tolerated"; PolyPhen-2: "Benign"; Align-GVGD: "Class C0". The glutamic acid amino acid residue is found in multiple mammalian species, suggesting that this missense change does not adversely affect protein function. These predictions have not been confirmed by published functional studies and their clinical significance is uncertain. This variant has not been reported in the literature in individuals with PLK4-related conditions. This variant is not present in population databases (ExAC no frequency). This sequence change replaces lysine with glutamic acid at codon 491 of the PLK4 protein (p.Lys491Glu). The lysine residue is weakly conserved and there is a small physicochemical difference between lysine and glutamic acid.